The following is an entry in ClinVar:

ClinVar aggregate classification (germline): Uncertain significance. Review status: criteria provided, multiple submitters, no conflicts (2 of 4 stars). 3 submissions from 3 submitters: Uncertain significance (3). Last evaluated 2025-02-01.

Conditions:
Inborn genetic diseases. Identifiers: MedGen C0950123, MeSH D030342.

Allele frequency attached by ClinVar (database versions not stated): TOPMed 0.00002; ExAC 0.00003.
gnomAD v4.1: 38 of 1,596,284 alleles (0.0024%); highest among the groups gnomAD compares: Admixed American, 0.0069%; no homozygotes.

Submissions (3):

CeGaT Center for Human Genetics Tuebingen
Classification: Uncertain significance. Last evaluated: 2025-02-01. Review status: criteria provided, single submitter. Criteria: CeGaT Center For Human Genetics Tuebingen Variant Classification Criteria Version 2. Collection method: clinical testing. Allele origin: germline. Affected: yes. Observed: 1 variant allele.
Comment: LAMA5: PM2, BP4

Ambry Genetics
Classification: Uncertain significance for Inborn genetic diseases. Last evaluated: 2024-12-10. Review status: criteria provided, single submitter. Criteria: Ambry Variant Classification Scheme 2023. Collection method: clinical testing. Allele origin: germline.

Labcorp Genetics (formerly Invitae), Labcorp
Classification: Uncertain significance. Last evaluated: 2022-03-20. Review status: criteria provided, single submitter. Criteria: Invitae Variant Classification Sherloc (09022015). Collection method: clinical testing. Allele origin: germline.
Comment: In summary, the available evidence is currently insufficient to determine the role of this variant in disease. Therefore, it has been classified as a Variant of Uncertain Significance. Algorithms developed to predict the effect of missense changes on protein structure and function output the following: SIFT: "Tolerated"; PolyPhen-2: "Benign"; Align-GVGD: "Class C0". The glutamine amino acid residue is found in multiple mammalian species, which suggests that this missense change does not adversely affect protein function. This variant has not been reported in the literature in individuals affected with LAMA5-related conditions. This variant is present in population databases (rs768141178, gnomAD 0.005%). This sequence change replaces arginine, which is basic and polar, with glutamine, which is neutral and polar, at codon 2091 of the LAMA5 protein (p.Arg2091Gln).

NM_005560.6(LAMA5):c.6272G>A (p.Arg2091Gln)

Gene: LAMA5 (laminin subunit alpha 5; minus strand). Cytogenetic location: 20q13.33.
Variant type: single nucleotide variant.
Coding change: c.6272G>A on transcript NM_005560.6 (MANE Select); coding-DNA position 6272, G replaced by A.
Protein change: p.Arg2091Gln; replaces arginine 2091 with glutamine.
Molecular consequence: missense variant.
Genome position (GRCh38, 1-based): chr20:62,322,343, C>T on the plus strand (G>A on the coding strand, the complement: LAMA5 is on the minus strand). VCF-style: chr20-62322343-C-T. GRCh37 (hg19) VCF-style: chr20-60897399-C-T.
Other names: c.6272G>A (NM_005560.3); short protein forms R2091Q.
Identifiers: ClinVar variation 2168779 (VCV002168779.12), dbSNP rs768141178, ClinGen allele CA9941826.
Genomic context (GRCh38, chr20:62,322,343, plus strand): 5'-TCAGGGAGCCCCCAGTAGCCAGGGGCACACTCGCGGCACTGGGGTCCCATGGTCCCTGGT[C>T]GGCAGTGGCACTGTCCGCTCTGGGGGTGGCACTCGGAGCCCTCGGCGGCCGGTCCACAAG-3'
Protein context (NP_005551.3, residues 2081-2101): CHPQSGQCHC[Arg2091Gln]PGTMGPQCRE